The following is an entry in ClinVar:

NM_001040142.2(SCN2A):c.722T>G (p.Leu241Arg)

Gene: SCN2A (sodium voltage-gated channel alpha subunit 2; plus strand). Cytogenetic location: 2q24.3.
Variant type: single nucleotide variant.
Coding change: c.722T>G on transcript NM_001040142.2 (MANE Select); coding-DNA position 722, T replaced by G.
Protein change: p.Leu241Arg; replaces leucine 241 with arginine.
Molecular consequence: missense variant.
Genome position (GRCh38, 1-based): chr2:165,310,347, T>G. VCF-style: chr2-165310347-T-G. GRCh37 (hg19) VCF-style: chr2-166166857-T-G.
Other names: c.722T>G, p.Leu241Arg (NM_001040143.2, NM_001371246.1, NM_001371247.1 and 1 more transcripts); short protein forms L241R.
Identifiers: ClinVar variation 1757816 (VCV001757816.7), dbSNP rs2467890178, ClinGen allele CA349017825.

ClinVar aggregate classification (germline): Likely pathogenic. Review status: criteria provided, multiple submitters, no conflicts (2 of 4 stars). 2 submissions from 2 submitters: Likely pathogenic (2). Last evaluated 2022-04-26.

Conditions:
Seizures, benign familial infantile, 3 (BFIS3). Also called: Familial neonatal seizures; CONVULSIONS, BENIGN FAMILIAL INFANTILE, 3. Identifiers: Orphanet 140927, Orphanet 306, MedGen C1843140, MONDO:0011904, OMIM 607745.
Developmental and epileptic encephalopathy, 11 (DEE11). Also called: Early infantile epileptic encephalopathy 11. Identifiers: Orphanet 1934, MedGen C3150987, MONDO:0013388, OMIM 613721.
Inborn genetic diseases. Identifiers: MedGen C0950123, MeSH D030342.

Submissions (2):

Labcorp Genetics (formerly Invitae), Labcorp
Classification: Likely pathogenic for Seizures, benign familial infantile, 3; Developmental and epileptic encephalopathy, 11. Last evaluated: 2022-04-26. Review status: criteria provided, single submitter. Criteria: Invitae Variant Classification Sherloc (09022015). Collection method: clinical testing. Allele origin: germline.
Comment: Algorithms developed to predict the effect of missense changes on protein structure and function are either unavailable or do not agree on the potential impact of this missense change (SIFT: "Deleterious"; PolyPhen-2: "Probably Damaging"; Align-GVGD: "Class C0"). In summary, the currently available evidence indicates that the variant is pathogenic, but additional data are needed to prove that conclusively. Therefore, this variant has been classified as Likely Pathogenic. This missense change has been observed in individual(s) with clinical features of SCN2A-related conditions (Invitae). In at least one individual the variant was observed to be de novo. This variant is not present in population databases (gnomAD no frequency). This sequence change replaces leucine, which is neutral and non-polar, with arginine, which is basic and polar, at codon 241 of the SCN2A protein (p.Leu241Arg).

Ambry Genetics
Classification: Likely pathogenic for Inborn genetic diseases. Last evaluated: 2018-06-06. Review status: criteria provided, single submitter. Criteria: Ambry Variant Classification Scheme 2023. Collection method: clinical testing. Allele origin: germline.
Comment: The p.L241R variant (also known as c.722T>G), located in coding exon 6 of the SCN2A gene, results from a T to G substitution at nucleotide position 722. The leucine at codon 241 is replaced by arginine, an amino acid with dissimilar properties. This variant has been determined to be the result of a de novo mutation or germline mosaicism in one family with an isolated case of SCN2A-related epileptic encephalopathy (Ambry internal data). This alteration is located in the S4-S5 cytoplasmic domain of repeat I and is indicated to be structurally deleterious (Ambry internal data; Yan Z et al. Cell, 2017 Jul;170:470-482.e11). This amino acid position is highly conserved in available vertebrate species. In addition, this alteration is predicted to be deleterious by in silico analysis. Based on the majority of available evidence to date, this variant is likely to be pathogenic.

Literature cited by the submitters: PubMed 28735751 (cited by Ambry Genetics).